The following is an entry in ClinVar:

NM_017668.3(NDE1):c.644C>G (p.Thr215Arg)

Gene: NDE1 (nudE neurodevelopment protein 1; plus strand). Cytogenetic location: 16p13.11.
Variant type: single nucleotide variant.
Coding change: c.644C>G on transcript NM_017668.3 (MANE Select); coding-DNA position 644, C replaced by G.
Protein change: p.Thr215Arg; replaces threonine 215 with arginine.
Molecular consequence: missense variant.
Genome position (GRCh38, 1-based): chr16:15,691,264, C>G. VCF-style: chr16-15691264-C-G. GRCh37 (hg19) VCF-style: chr16-15785121-C-G.
Other names: c.644C>G, p.Thr215Arg (NM_001143979.2); short protein forms T215R.
Identifiers: ClinVar variation 3359928 (VCV003359928.1).

ClinVar aggregate classification (germline): Uncertain significance (1 of 4 stars; one submission).

gnomAD v4.1: 1 of 1,614,142 alleles (0.000062%); highest among the groups gnomAD compares: Admixed American, 0.0017%; no homozygotes.

Submission:

GeneDx
Classification: Uncertain significance. Last evaluated: 2023-06-21. Review status: criteria provided, single submitter. Criteria: GeneDx Variant Classification Process June 2021. Collection method: clinical testing. Allele origin: germline. Affected: yes.
Comment: Not observed at significant frequency in large population cohorts (gnomAD); In silico analysis supports that this missense variant does not alter protein structure/function; Has not been previously published as pathogenic or benign to our knowledge; This variant is associated with the following publications: (PMID: 21529752)